The following is an entry in ClinVar:

NM_015559.3(SETBP1):c.3562G>T (p.Glu1188Ter)

Gene: SETBP1 (SET binding protein 1; plus strand). Cytogenetic location: 18q12.3.
Variant type: single nucleotide variant.
Coding change: c.3562G>T on transcript NM_015559.3 (MANE Select); coding-DNA position 3562, G replaced by T.
Protein change: p.Glu1188Ter; replaces glutamic acid 1188 with a stop codon.
Molecular consequence: nonsense.
Genome position (GRCh38, 1-based): chr18:44,952,902, G>T. VCF-style: chr18-44952902-G-T. GRCh37 (hg19) VCF-style: chr18-42532867-G-T.
Other names: c.3562G>T, p.Glu1188Ter (NM_001379141.1, NM_001379142.1, NM_001410862.1); short protein forms E1188*.
Identifiers: ClinVar variation 3371411 (VCV003371411.1).
Genomic context (GRCh38, chr18:44,952,902, plus strand): 5'-GACAACCTGAGTGGTCTTTTTGCAGGCAAAGCCACAGGCTTCTCCAGCCACATCCTGAGC[G>T]AGCGGCTGAGTAGCGCAGACAAAGAGCTCCCGCTGGTGAGTGAGAAGAACAAGCATAAGG-3'

ClinVar aggregate classification (germline): Pathogenic (1 of 4 stars; one submission).

Submission:

GeneDx
Classification: Pathogenic. Last evaluated: 2024-03-22. Review status: criteria provided, single submitter. Criteria: GeneDx Variant Classification Process June 2021. Collection method: clinical testing. Allele origin: germline. Affected: yes.
Comment: Nonsense variant predicted to result in protein truncation or nonsense mediated decay in a gene for which loss of function is a known mechanism of disease; Not observed at significant frequency in large population cohorts (gnomAD); Has not been previously published as pathogenic or benign to our knowledge